The following is an entry in ClinVar:

NM_000256.3(MYBPC3):c.2347G>A (p.Val783Met)

Gene: MYBPC3 (myosin binding protein C3; minus strand). Cytogenetic location: 11p11.2.
Variant type: single nucleotide variant.
Coding change: c.2347G>A on transcript NM_000256.3 (MANE Select); coding-DNA position 2347, G replaced by A.
Protein change: p.Val783Met; replaces valine 783 with methionine.
Molecular consequence: missense variant.
Genome position (GRCh38, 1-based): chr11:47,337,756, C>T on the plus strand (G>A on the coding strand, the complement: MYBPC3 is on the minus strand). VCF-style: chr11-47337756-C-T. GRCh37 (hg19) VCF-style: chr11-47359307-C-T.
Other names: c.2347G>A, p.Val783Met (LRG_386t1); short protein forms V783M.
Identifiers: ClinVar variation 452909 (VCV000452909.8), dbSNP rs1060499878, ClinGen allele CA380318933.
Genomic context (GRCh38, chr11:47,337,756, plus strand): 5'-TGGGCTGCCCGCCATCGTAGGCAGGCGGCTCCCACTGTACTGTGCAGGAGTCCTCTCCCA[C>T]GTTGCTGATCTTGGGGGCCGCAGGTGCGTCTGGCACGTCTGGATGGGGTGGGATGGACCC-3'
Protein context (NP_000247.2, residues 773-793): DAPAAPKISN[Val783Met]GEDSCTVQWE

ClinVar aggregate classification (germline): Uncertain significance. Review status: criteria provided, multiple submitters, no conflicts (2 of 4 stars). 3 submissions from 3 submitters: Uncertain significance (3). Last evaluated 2023-01-17.

Conditions:
Cardiovascular phenotype. Identifiers: MedGen CN230736.
Hypertrophic cardiomyopathy. Also called: HYPERTROPHIC MYOCARDIOPATHY. Identifiers: Orphanet 217569, MedGen C0007194, MeSH D002312, MONDO:0005045, HP:0001639.

Submissions (3):

Labcorp Genetics (formerly Invitae), Labcorp
Classification: Uncertain significance for Hypertrophic cardiomyopathy. Last evaluated: 2023-01-17. Review status: criteria provided, single submitter. Criteria: Invitae Variant Classification Sherloc (09022015). Collection method: clinical testing. Allele origin: germline.
Comment: This variant has not been reported in the literature in individuals affected with MYBPC3-related conditions. In summary, the available evidence is currently insufficient to determine the role of this variant in disease. Therefore, it has been classified as a Variant of Uncertain Significance. Algorithms developed to predict the effect of missense changes on protein structure and function are either unavailable or do not agree on the potential impact of this missense change (SIFT: "Deleterious"; PolyPhen-2: "Probably Damaging"; Align-GVGD: "Class C0"). ClinVar contains an entry for this variant (Variation ID: 452909). This variant is not present in population databases (gnomAD no frequency). This sequence change replaces valine, which is neutral and non-polar, with methionine, which is neutral and non-polar, at codon 783 of the MYBPC3 protein (p.Val783Met).

Ambry Genetics
Classification: Uncertain significance for Cardiovascular phenotype. Last evaluated: 2022-06-09. Review status: criteria provided, single submitter. Criteria: Ambry Variant Classification Scheme 2023. Collection method: clinical testing. Allele origin: germline.
Comment: The p.V783M variant (also known as c.2347G>A), located in coding exon 24 of the MYBPC3 gene, results from a G to A substitution at nucleotide position 2347. The valine at codon 783 is replaced by methionine, an amino acid with highly similar properties. This amino acid position is conserved. In addition, this alteration is predicted to be tolerated by in silico analysis. Since supporting evidence is limited at this time, the clinical significance of this alteration remains unclear.

GeneDx
Classification: Uncertain significance. Last evaluated: 2017-10-24. Review status: criteria provided, single submitter. Criteria: GeneDx Variant Classification (06012015). Collection method: clinical testing. Allele origin: germline. Affected: yes.
Comment: A variant of uncertain significance has been identified in the MYBPC3 gene. The V783M variant has not been published as pathogenic or been reported as benign to our knowledge. This variant is not observed in large population cohorts (Lek et al., 2016). However, the V783M variant is a conservative amino acid substitution, which is not likely to impact secondary protein structure as these residues share similar properties. This substitution occurs at a position where amino acids with similar properties to valine (V) are tolerated across species. Finally, in silico analysis is inconsistent in its predictions as to whether or not the variant is damaging to the protein structure/function.